The following is an entry in ClinVar:

ClinVar aggregate classification (germline): Likely benign (0 of 4 stars; one submission).

Conditions:
ETV4-related disorder. Also called: ETV4-related condition.

Submission:

PreventionGenetics, part of Exact Sciences
Classification: Likely benign for ETV4-related condition. Last evaluated: 2024-09-08. Review status: no assertion criteria provided. Collection method: clinical testing. Allele origin: germline.
Comment: This variant is classified as likely benign based on ACMG/AMP sequence variant interpretation guidelines (Richards et al. 2015 PMID: 25741868, with internal and published modifications).

NM_001079675.5(ETV4):c.154+9C>A

Gene: ETV4 (ETS variant transcription factor 4; minus strand). Cytogenetic location: 17q21.31.
Variant type: single nucleotide variant.
Coding change: c.154+9C>A on transcript NM_001079675.5 (MANE Select); 9 bases into the intron after coding-DNA position 154, C replaced by A.
Molecular consequence: intron variant.
Genome position (GRCh38, 1-based): chr17:43,545,265, G>T on the plus strand (C>A on the coding strand, the complement: ETV4 is on the minus strand). VCF-style: chr17-43545265-G-T. GRCh37 (hg19) VCF-style: chr17-41622633-G-T.
Other names: c.37+9C>A (NM_001261437.3, NM_001261438.3); c.154+9C>A (NM_001369367.2, NM_001369368.2, NM_001986.4 and 1 more transcripts).
Identifiers: ClinVar variation 3348143 (VCV003348143.1).
Genomic context (GRCh38, chr17:43,545,265, plus strand): 5'-GTGTGTGTGTGTGTGTGTGTGTGTGTGTGTGGCGGAGGAGGGTCGCGGTTTGTCTCTCTT[G>T]CTCTTTACCTTCAGAGTCGAGGGGCGGCAGGGAGCCCGGGTCCATGAGCTTCCCCAGCGG-3'